The following is an entry in ClinVar:

ClinVar aggregate classification (germline): Uncertain significance. Review status: criteria provided, multiple submitters, no conflicts (2 of 4 stars). 12 submissions from 12 submitters: Uncertain significance (12). Last evaluated 2025-12-08.

Conditions:
Hereditary nonpolyposis colorectal neoplasms. Identifiers: MedGen C0009405, MeSH D003123.
Hereditary cancer-predisposing syndrome. Also called: Hereditary Cancer Syndrome; Hereditary neoplastic syndrome; Neoplastic Syndromes, Hereditary; Tumor predisposition. Identifiers: Orphanet 140162, MedGen C0027672, MeSH D009386, MONDO:0015356.
Breast neoplasm. Also called: Neoplasm of breast; Breast tumor; Neoplasm of the breast; Breast Neoplasms. Identifiers: MedGen C1458155, MeSH D001943, MONDO:0021100, HP:0100013. Disease mechanism: gain of function.
Lynch syndrome. Identifiers: Orphanet 144, MedGen C4552100, MONDO:0005835. Disease mechanism: loss of function.
Lynch syndrome 4 (LYNCH4). Also called: Colorectal cancer, hereditary nonpolyposis, type 4; Hereditary non-polyposis colorectal cancer, type 4. Identifiers: Orphanet 144, MedGen C1838333, MONDO:0013699, OMIM 614337. Disease mechanism: loss of function.

Allele frequency attached by ClinVar (database versions not stated): gnomAD exomes 0.00005 and 0.00002; gnomAD 0.00001; TOPMed 0.00001; ExAC 0.00002.
gnomAD v4.1: 69 of 1,606,684 alleles (0.0043%); highest among the groups gnomAD compares: Non-Finnish European, 0.0055%; no homozygotes.

Submissions (12):

Labcorp Genetics (formerly Invitae), Labcorp
Classification: Uncertain significance for Hereditary nonpolyposis colorectal neoplasms. Last evaluated: 2025-12-08. Review status: criteria provided, single submitter. Criteria: Invitae Variant Classification Sherloc (09022015). Collection method: clinical testing. Allele origin: germline.
Comment: This sequence change replaces glutamic acid, which is acidic and polar, with lysine, which is basic and polar, at codon 661 of the PMS2 protein (p.Glu661Lys). This variant is present in population databases (rs778531080, gnomAD 0.007%). This missense change has been observed in individual(s) with breast cancer, colorectal cancer, and/or uterine cancer (PMID: 27146957, 28466842, 34326862, 37937776). ClinVar contains an entry for this variant (Variation ID: 455676). Invitae Evidence Modeling incorporating data from in vitro experimental studies (internal data) indicates that this missense variant is not expected to disrupt PMS2 function with a negative predictive value of 95%. In summary, the available evidence is currently insufficient to determine the role of this variant in disease. Therefore, it has been classified as a Variant of Uncertain Significance.

Ambry Genetics
Classification: Uncertain significance for Hereditary cancer-predisposing syndrome. Last evaluated: 2025-09-18. Review status: criteria provided, single submitter. Criteria: Ambry Variant Classification Scheme 2023. Collection method: clinical testing. Allele origin: germline.
Comment: The p.E661K variant (also known as c.1981G>A), located in coding exon 11 of the PMS2 gene, results from a G to A substitution at nucleotide position 1981. The glutamic acid at codon 661 is replaced by lysine, an amino acid with similar properties. This alteration was detected in a study of 1165 individuals with a history of colorectal cancer or colon polyps as well as 590 controls (Gordon AS et al. Am J Hum Genet, 2019 Sep;105:526-533). It was also observed in 3/1182 Icelandic colorectal cancer patients with normal immunohistochemical (IHC) staining (Haraldsdottir S et al. Nat. Commun. 2017 May;8:14755). This amino acid position is highly conserved in available vertebrate species. In addition, the in silico prediction for this alteration is inconclusive. Since supporting evidence is limited at this time, the clinical significance of this alteration remains unclear.

Color Diagnostics, LLC DBA Color Health
Classification: Uncertain significance for Hereditary cancer-predisposing syndrome. Last evaluated: 2025-05-28. Review status: criteria provided, single submitter. Criteria: ACMG Guidelines, 2015. Collection method: clinical testing. Allele origin: germline.
Comment: This missense variant replaces glutamic acid with lysine at codon 661 of the PMS2 protein. Computational prediction suggests that this variant may not impact protein structure and function. To our knowledge, functional studies have not been reported for this variant. This variant has been reported in a few individuals affected with colorectal cancer in the Icelandic population, whose tumors showed normal PMS2 expression (PMID: 28466842). The variant has been reported to occur at 0.29% frequency in the Icelandic population (PMID: 28466842). This variant has been identified in 4/246208 chromosomes in the general population by the Genome Aggregation Database (gnomAD). The available evidence is insufficient to determine the role of this variant in disease conclusively. Therefore, this variant is classified as a Variant of Uncertain Significance.

Center for Genomic Medicine, Rigshospitalet, Copenhagen University Hospital
Classification: Uncertain significance. Last evaluated: 2025-03-04. Review status: criteria provided, single submitter. Criteria: ACMG Guidelines, 2015. Collection method: clinical testing. Allele origin: germline.

Baylor Genetics
Classification: Uncertain significance for Lynch syndrome 4. Last evaluated: 2023-12-22. Review status: criteria provided, single submitter. Criteria: ACMG Guidelines, 2015. Collection method: clinical testing. Allele origin: unknown.

All of Us Research Program, National Institutes of Health
Classification: Uncertain significance for Lynch syndrome. Last evaluated: 2023-08-25. Review status: criteria provided, single submitter. Criteria: ACMG Guidelines, 2015. Collection method: clinical testing. Allele origin: germline. Inheritance: Autosomal dominant inheritance. Observed: 2 variant alleles, 2 heterozygotes.
Comment: This missense variant replaces a highly conserved glutamic acid with lysine at codon 661 of the PMS2 protein. Computational prediction tools are inconsistent with regard to the impact of this variant on protein structure and function. To our knowledge, functional studies have not been reported for this variant. This variant has been reported in a few individuals affected with colorectal cancer in the Icelandic population, whose tumors showed normal PMS2 expression (PMID: 28466842). The variant has been reported to occur at 0.29% frequency in the Icelandic population (PMID: 28466842). In the Genome Aggregation Database (gnomAD), this variant has only been identified in 4/246208 chromosomes. This variant appears to be a common benign variant in the Icelandic population, but additional studies are necessary to determine the role of this variant in disease conclusively. Therefore, this variant is classified as a Variant of Uncertain Significance.

This study involves interpretation of variants in research participants for the purpose of population health screening. Participant phenotype was not available at the time of variant classification. Additional details can be found in publication PMID: 35346344, PMCID: PMC8962531

GeneDx
Classification: Uncertain significance. Last evaluated: 2022-03-24. Review status: criteria provided, single submitter. Criteria: GeneDx Variant Classification Process June 2021. Collection method: clinical testing. Allele origin: germline. Affected: yes.
Comment: In silico analysis, which includes protein predictors and evolutionary conservation, supports a deleterious effect; Observed in individuals with colorectal cancer, all of whom had normal IHC staining, and in unaffected controls (Haraldsdottir 2017), and was also observed in one individual with a juvenile polyp (Jelsig 2016); This variant is associated with the following publications: (PMID: 27146957, 28466842, 11292842)

Sema4
Classification: Uncertain significance for Hereditary cancer-predisposing syndrome. Last evaluated: 2022-01-13. Review status: criteria provided, single submitter. Criteria: Sema4 Curation Guidelines. Collection method: curation. Allele origin: germline.
Comment: The PMS2 c.1981G>A (p.E661K) variant has been reported in at least 4 individuals with colorectal cancer and juvenile polyps (PMID: 28466842, 27146957). It was observed in 4/246208 chromosomes across populations in the large and broad cohorts of the Genome Aggregation Databasethe Genome Aggregation Database (PMID: 32461654). This variant has been reported in ClinVar (Variation ID: 455676). Functional studies have not been performed, and in silico predictions of the variant's effect on protein function are inconclusive. The evidence is insufficient to meet ACMG/AMP criteria for classifying the variant as benign or pathogenic. Thus, the clinical significance of this variant is currently uncertain.

Institute for Clinical Genetics, University Hospital TU Dresden, University Hospital TU Dresden
Classification: Uncertain significance. Last evaluated: 2021-11-03. Review status: criteria provided, single submitter. Criteria: ACMG Guidelines, 2015. Collection method: clinical testing. Allele origin: germline.

Institute of Human Genetics, University of Leipzig Medical Center
Classification: Uncertain significance for Neoplasm of the breast. Last evaluated: 2019-01-01. Review status: criteria provided, single submitter. Criteria: ACMG Guidelines, 2015. Collection method: clinical testing. Allele origin: unknown. Affected: yes.

Illumina Laboratory Services, Illumina
Classification: Uncertain significance for Lynch syndrome 4. Last evaluated: 2018-01-13. Review status: criteria provided, single submitter. Criteria: ICSL Variant Classification Criteria 13 December 2019. Collection method: clinical testing. Allele origin: germline.

Laboratory for Molecular Medicine, Mass General Brigham Personalized Medicine
Classification: Uncertain significance. Last evaluated: 2017-02-20. Review status: criteria provided, single submitter. Criteria: LMM Criteria. Collection method: clinical testing. Allele origin: germline. Observed: 1 variant allele.
Comment: The p.Glu661Lys variant in PMS2 has not been previously reported in individuals with Lynch syndrome, but has been identified in 2/66538 of European chromosomes by the Exome Aggregation Consortium (ExAC; dbSNP rs778531080). Computational prediction tools and conservation analysis suggest that the p.Glu661Lys variant may impact the protein, though this information is not predictive enough to determine pathogenicity. In summary, the clinical signi ficance of the p.Glu661Lys variant is uncertain.

Literature cited by the submitters: PubMed 27146957 (cited by 4 submitters); PubMed 28466842 (cited by 6 submitters); PubMed 34326862 (cited by Labcorp Genetics (formerly Invitae), Labcorp); PubMed 37937776 (cited by Labcorp Genetics (formerly Invitae), Labcorp); PubMed 31422818 (cited by Ambry Genetics).

NM_000535.7(PMS2):c.1981G>A (p.Glu661Lys)

Gene: PMS2 (PMS1 homolog 2, mismatch repair system component; minus strand). Cytogenetic location: 7p22.1.
Variant type: single nucleotide variant.
Coding change: c.1981G>A on transcript NM_000535.7 (MANE Select); coding-DNA position 1981, G replaced by A.
Protein change: p.Glu661Lys; replaces glutamic acid 661 with lysine.
Molecular consequence: missense variant. On other transcripts: non-coding transcript variant (1).
Genome position (GRCh38, 1-based): chr7:5,986,784, C>T on the plus strand (G>A on the coding strand, the complement: PMS2 is on the minus strand). VCF-style: chr7-5986784-C-T. GRCh37 (hg19) VCF-style: chr7-6026415-C-T.
Other names: c.1576G>A, p.Glu526Lys (NM_001322003.2, NM_001322004.2, NM_001322005.2 and 1 more transcripts); c.1825G>A, p.Glu609Lys (NM_001322006.2); c.1663G>A, p.Glu555Lys (NM_001322007.2, NM_001322008.2); c.1420G>A, p.Glu474Lys (NM_001322010.2); c.1048G>A, p.Glu350Lys (NM_001322011.2, NM_001322012.2); c.1408G>A, p.Glu470Lys (NM_001322013.2); c.1981G>A, p.Glu661Lys (NM_001322014.2); c.1672G>A, p.Glu558Lys (NM_001322015.2); short protein forms E661K, E474K, E558K, E609K, E470K, E555K, E350K, E526K.
Identifiers: ClinVar variation 455676 (VCV000455676.50), dbSNP rs778531080, ClinGen allele CA046053.